The following is an entry in ClinVar:

ClinVar aggregate classification (germline): Uncertain significance. Review status: criteria provided, single submitter (1 of 4 stars). 2 submissions from 2 submitters: Uncertain significance (1). 1 of the submissions does not count toward it. Last evaluated 2025-09-08.

Conditions:
Hypertrophic cardiomyopathy 26. Also called: Cardiomyopathy, familial hypertrophic, 26. Identifiers: Orphanet 75249, MedGen C4310749, MONDO:0014883, OMIM 617047.
Myofibrillar myopathy 5. Also called: FILAMINOPATHY, AUTOSOMAL DOMINANT; Filaminopathy (type). Identifiers: Orphanet 171445, MedGen C1836050, MONDO:0012289, OMIM 609524.
Distal myopathy with posterior leg and anterior hand involvement. Also called: WILLIAMS DISTAL MYOPATHY. Identifiers: Orphanet 63273, MedGen C3279722, MONDO:0013550, OMIM 614065.

Submissions (2):

Labcorp Genetics (formerly Invitae), Labcorp
Classification: Uncertain significance for Distal myopathy with posterior leg and anterior hand involvement; Myofibrillar myopathy 5; Hypertrophic cardiomyopathy 26. Last evaluated: 2025-09-08. Review status: criteria provided, single submitter. Criteria: Invitae Variant Classification Sherloc (09022015). Collection method: clinical testing. Allele origin: germline.
Comment: This sequence change replaces serine, which is neutral and polar, with proline, which is neutral and non-polar, at codon 1449 of the FLNC protein (p.Ser1449Pro). This variant is not present in population databases (gnomAD no frequency). This variant has not been reported in the literature in individuals affected with FLNC-related conditions. ClinVar contains an entry for this variant (Variation ID: 3338667). Invitae Evidence Modeling of protein sequence and biophysical properties (such as structural, functional, and spatial information, amino acid conservation, physicochemical variation, residue mobility, and thermodynamic stability) has been performed for this missense variant. However, the output from this modeling did not meet the statistical confidence thresholds required to predict the impact of this variant on FLNC protein function. In summary, the available evidence is currently insufficient to determine the role of this variant in disease. Therefore, it has been classified as a Variant of Uncertain Significance.

Institute of Human Genetics, University of Wuerzburg
Classification: Uncertain significance for Hypertrophic cardiomyopathy 26. Review status: no assertion criteria provided. Collection method: clinical testing. Allele origin: unknown. Affected: yes. Observed: 1 variant allele. Not counted in ClinVar's aggregate classification.

NM_001458.5(FLNC):c.4345T>C (p.Ser1449Pro)

Gene: FLNC (filamin C; plus strand). Cytogenetic location: 7q32.1.
Variant type: single nucleotide variant.
Coding change: c.4345T>C on transcript NM_001458.5 (MANE Select); coding-DNA position 4345, T replaced by C.
Protein change: p.Ser1449Pro; replaces serine 1449 with proline.
Molecular consequence: missense variant.
Genome position (GRCh38, 1-based): chr7:128,847,753, T>C. VCF-style: chr7-128847753-T-C. GRCh37 (hg19) VCF-style: chr7-128487807-T-C.
Other names: c.4345T>C, p.Ser1449Pro (NM_001127487.2); short protein forms S1449P.
Identifiers: ClinVar variation 3338667 (VCV003338667.2).